The following is an entry in ClinVar:

NM_015311.3(OBSL1):c.4987_4989del (p.Lys1663del)

Gene: OBSL1 (obscurin like cytoskeletal adaptor 1; minus strand). Cytogenetic location: 2q35.
Variant type: Deletion.
Coding change: c.4987_4989del on transcript NM_015311.3 (MANE Select); coding-DNA positions 4987 to 4989, 3 bases deleted (AAG; older notation c.4987_4989delAAG).
Protein change: p.Lys1663del; deletes lysine 1663.
Molecular consequence: inframe deletion.
Genome position (GRCh38, 1-based): chr2:219,553,574-219,553,576, CTT deleted on the plus strand (AAG on the coding strand, the reverse complement: OBSL1 is on the minus strand); deleting any 3 consecutive bases within chr2:219,553,574-219,553,578 gives the same sequence; the c. name uses the placement nearest the transcript's 3' end. VCF-style (leftmost placement, unchanged base first): chr2-219553573-CCTT-C. GRCh37 (hg19) VCF-style: chr2-220418295-CCTT-C.
Other names: short protein forms K1663del.
Identifiers: ClinVar variation 3623194 (VCV003623194.1).

ClinVar aggregate classification (germline): Uncertain significance (1 of 4 stars; one submission).

Submission:

Labcorp Genetics (formerly Invitae), Labcorp
Classification: Uncertain significance. Last evaluated: 2024-10-22. Review status: criteria provided, single submitter. Criteria: Invitae Variant Classification Sherloc (09022015). Collection method: clinical testing. Allele origin: germline.
Comment: This variant, c.4987_4989del, results in the deletion of 1 amino acid(s) of the OBSL1 protein (p.Lys1663del), but otherwise preserves the integrity of the reading frame. This variant is present in population databases (rs760511999, gnomAD 0.002%). This variant has not been reported in the literature in individuals affected with OBSL1-related conditions. Experimental studies and prediction algorithms are not available or were not evaluated, and the functional significance of this variant is currently unknown. Algorithms developed to predict the effect of sequence changes on RNA splicing suggest that this variant may disrupt the consensus splice site. In summary, the available evidence is currently insufficient to determine the role of this variant in disease. Therefore, it has been classified as a Variant of Uncertain Significance.